The following is an entry in ClinVar:

NM_014974.3(DIP2C):c.3757C>T (p.Arg1253Ter)

Gene: DIP2C (DIP2 acetate--CoA ligase C (putative); minus strand). Cytogenetic location: 10p15.3.
Variant type: single nucleotide variant.
Coding change: c.3757C>T on transcript NM_014974.3 (MANE Select); coding-DNA position 3757, C replaced by T.
Protein change: p.Arg1253Ter; replaces arginine 1253 with a stop codon.
Molecular consequence: nonsense.
Genome position (GRCh38, 1-based): chr10:327,173, G>A on the plus strand (C>T on the coding strand, the complement: DIP2C is on the minus strand). VCF-style: chr10-327173-G-A. GRCh37 (hg19) VCF-style: chr10-373113-G-A.
Other names: short protein forms R1253*.
Identifiers: ClinVar variation 1321980 (VCV001321980.3), dbSNP rs2132443689, ClinGen allele CA375826434.

ClinVar aggregate classification (germline): Conflicting classifications of pathogenicity. Review status: criteria provided, conflicting classifications (1 of 4 stars). 2 submissions from 2 submitters: Pathogenic (1); Uncertain significance (1). Last evaluated 2026-07-30.

Conditions:
Neurodevelopmental disorder. Identifiers: MedGen C1535926, MeSH D065886, MONDO:0700092.

Submissions (2):

GeneDx
Classification: Pathogenic. Last evaluated: 2026-07-30. Review status: criteria provided, single submitter. Criteria: GeneDx Variant Classification Process June 2021. Collection method: clinical testing. Allele origin: germline.
Comment: Nonsense variant predicted to result in protein truncation or nonsense mediated decay in a gene for which loss of function is a known mechanism of disease; Not observed at significant frequency in large population cohorts (gnomAD); Has not been previously published as pathogenic or benign to our knowledge

Laboratory of Molecular Genetics (Pr. Bezieau's lab), CHU de Nantes
Classification: Uncertain significance for Neurodevelopmental disorder. Last evaluated: 2021-09-21. Review status: criteria provided, single submitter. Criteria: ACMG Guidelines, 2015. Collection method: clinical testing. Allele origin: germline. Affected: yes.